The following is an entry in ClinVar:

NM_001372.4(DNAH9):c.11578G>A (p.Asp3860Asn)

Gene: DNAH9 (dynein axonemal heavy chain 9; plus strand). Cytogenetic location: 17p12.
Variant type: single nucleotide variant.
Coding change: c.11578G>A on transcript NM_001372.4 (MANE Select); coding-DNA position 11578, G replaced by A.
Protein change: p.Asp3860Asn; replaces aspartic acid 3860 with asparagine.
Molecular consequence: missense variant.
Genome position (GRCh38, 1-based): chr17:11,902,890, G>A. VCF-style: chr17-11902890-G-A. GRCh37 (hg19) VCF-style: chr17-11806207-G-A.
Other names: c.514G>A, p.Asp172Asn (NM_004662.2); c.11578G>A (NM_001372.3); short protein forms D172N, D3860N.
Identifiers: ClinVar variation 1951832 (VCV001951832.3), dbSNP rs747022867, ClinGen allele CA8397873.

ClinVar aggregate classification (germline): Uncertain significance. Review status: criteria provided, multiple submitters, no conflicts (2 of 4 stars). 2 submissions from 2 submitters: Uncertain significance (2). Last evaluated 2025-02-28.

Conditions:
Inborn genetic diseases. Identifiers: MedGen C0950123, MeSH D030342.

Allele frequency attached by ClinVar (database versions not stated): gnomAD 0.00001; TOPMed 0.00001; ExAC 0.00003.
gnomAD v4.1: 13 of 1,613,380 alleles (0.00081%); highest among the groups gnomAD compares: East Asian, 0.0022%; no homozygotes.

Submissions (2):

Ambry Genetics
Classification: Uncertain significance for Inborn genetic diseases. Last evaluated: 2025-02-28. Review status: criteria provided, single submitter. Criteria: Ambry Variant Classification Scheme 2023. Collection method: clinical testing. Allele origin: germline.

Labcorp Genetics (formerly Invitae), Labcorp
Classification: Uncertain significance. Last evaluated: 2022-07-03. Review status: criteria provided, single submitter. Criteria: Invitae Variant Classification Sherloc (09022015). Collection method: clinical testing. Allele origin: germline.
Comment: This sequence change replaces aspartic acid, which is acidic and polar, with asparagine, which is neutral and polar, at codon 3860 of the DNAH9 protein (p.Asp3860Asn). This variant is present in population databases (rs747022867, gnomAD 0.003%). This variant has not been reported in the literature in individuals affected with DNAH9-related conditions. Algorithms developed to predict the effect of missense changes on protein structure and function are either unavailable or do not agree on the potential impact of this missense change (SIFT: "Deleterious"; PolyPhen-2: "Probably Damaging"; Align-GVGD: "Class C0"). In summary, the available evidence is currently insufficient to determine the role of this variant in disease. Therefore, it has been classified as a Variant of Uncertain Significance.